The following is an entry in ClinVar:

NM_000256.3(MYBPC3):c.263T>A (p.Val88Asp)

Gene: MYBPC3 (myosin binding protein C3; minus strand). Cytogenetic location: 11p11.2.
Variant type: single nucleotide variant.
Coding change: c.263T>A on transcript NM_000256.3 (MANE Select); coding-DNA position 263, T replaced by A.
Protein change: p.Val88Asp; replaces valine 88 with aspartic acid.
Molecular consequence: missense variant.
Genome position (GRCh38, 1-based): chr11:47,351,268, A>T on the plus strand (T>A on the coding strand, the complement: MYBPC3 is on the minus strand). VCF-style: chr11-47351268-A-T. GRCh37 (hg19) VCF-style: chr11-47372819-A-T.
Other names: p.V88D:GTC>GAC; c.263T>A, p.Val88Asp (LRG_386t1); short protein forms V88D.
Identifiers: ClinVar variation 180994 (VCV000180994.11), dbSNP rs730880583, ClinGen allele CA012782.

ClinVar aggregate classification (germline): Uncertain significance. Review status: criteria provided, multiple submitters, no conflicts (2 of 4 stars). 4 submissions from 4 submitters: Uncertain significance (4). Last evaluated 2026-07-28.

Conditions:
MYBPC3-related disorder. Also called: MYBPC3-related disorders; MYBPC3-related condition; MYBPC3-related disease.
Cardiovascular phenotype. Identifiers: MedGen CN230736.
Hypertrophic cardiomyopathy. Also called: HYPERTROPHIC MYOCARDIOPATHY. Identifiers: Orphanet 217569, MedGen C0007194, MeSH D002312, MONDO:0005045, HP:0001639.

Allele frequency attached by ClinVar (database versions not stated): gnomAD 0.00002 and 0.00003; TOPMed 0.00003.

Submissions (4):

PreventionGenetics, part of Exact Sciences
Classification: Uncertain significance for MYBPC3-related condition. Last evaluated: 2026-07-28. Review status: criteria provided, single submitter. Criteria: ACMG Guidelines, 2015. Collection method: clinical testing. Allele origin: germline.
Comment: The MYBPC3 c.263T>A variant is predicted to result in the amino acid substitution p.Val88Asp. To our knowledge, this variant has not been reported in the literature or in a large population database (gnomAD), indicating this variant is rare. At this time, the clinical significance of this variant is uncertain due to the absence of conclusive functional and genetic evidence.

Labcorp Genetics (formerly Invitae), Labcorp
Classification: Uncertain significance for Hypertrophic cardiomyopathy. Last evaluated: 2024-10-15. Review status: criteria provided, single submitter. Criteria: Invitae Variant Classification Sherloc (09022015). Collection method: clinical testing. Allele origin: germline.
Comment: This sequence change replaces valine, which is neutral and non-polar, with aspartic acid, which is acidic and polar, at codon 88 of the MYBPC3 protein (p.Val88Asp). This variant is not present in population databases (gnomAD no frequency). This variant has not been reported in the literature in individuals affected with MYBPC3-related conditions. ClinVar contains an entry for this variant (Variation ID: 180994). An algorithm developed to predict the effect of missense changes on protein structure and function (PolyPhen-2) suggests that this variant is likely to be disruptive. In summary, the available evidence is currently insufficient to determine the role of this variant in disease. Therefore, it has been classified as a Variant of Uncertain Significance.

Ambry Genetics
Classification: Uncertain significance for Cardiovascular phenotype. Last evaluated: 2024-02-09. Review status: criteria provided, single submitter. Criteria: Ambry Variant Classification Scheme 2023. Collection method: clinical testing. Allele origin: germline.
Comment: The p.V88D variant (also known as c.263T>A), located in coding exon 2 of the MYBPC3 gene, results from a T to A substitution at nucleotide position 263. The valine at codon 88 is replaced by aspartic acid, an amino acid with highly dissimilar properties. This amino acid position is highly conserved in available vertebrate species. In addition, this alteration is predicted to be deleterious by in silico analysis. Since supporting evidence is limited at this time, the clinical significance of this alteration remains unclear.

GeneDx
Classification: Uncertain significance. Last evaluated: 2018-07-31. Review status: criteria provided, single submitter. Criteria: GeneDx Variant Classification (06012015). Collection method: clinical testing. Allele origin: germline. Affected: yes.
Comment: This variant is denoted p.Val88Asp (GTC>GAC): c.263 T>A in exon 2 of the MYBPC3 gene (NM_000256.3). The Val88Asp variant in the MYBPC3 gene has not been reported previously as a disease-causing mutation nor as a benign polymorphism, to our knowledge. Val88Asp results in a non-conservative amino acid substitution of a non-polar Valine with a negatively charged Aspartic acid at a residue that is conserved across species. As a result, in silico analysis predicts Val88Asp is probably damaging to the protein structure/function. In addition, the NHLBI ESP Exome Variant Server reports Val88Asp was not observed in approximately 5,000 samples from individuals of European and African American backgrounds, indicating it is not a common benign variant in these populations. However, few mutations have been reported in this region of the MYBPC3 gene. In summary, the clinical significance of the Val88Asp variant in the MYBPC3 gene is currently unknown. The variant is found in HCM panel(s).